The following is an entry in ClinVar:

NM_001605.3(AARS1):c.488A>G (p.Asp163Gly)

Gene: AARS1 (alanyl-tRNA synthetase 1; minus strand). Cytogenetic location: 16q22.1.
Variant type: single nucleotide variant.
Coding change: c.488A>G on transcript NM_001605.3 (MANE Select); coding-DNA position 488, A replaced by G.
Protein change: p.Asp163Gly; replaces aspartic acid 163 with glycine.
Molecular consequence: missense variant.
Genome position (GRCh38, 1-based): chr16:70,271,964, T>C on the plus strand (A>G on the coding strand, the complement: AARS1 is on the minus strand). VCF-style: chr16-70271964-T-C. GRCh37 (hg19) VCF-style: chr16-70305867-T-C.
Other names: short protein forms D163G.
Identifiers: ClinVar variation 694888 (VCV000694888.5), dbSNP rs1597443484, ClinGen allele CA396567096.

ClinVar aggregate classification (germline): Uncertain significance. Review status: criteria provided, single submitter (1 of 4 stars). 2 submissions from 2 submitters: Uncertain significance (1). 1 of the submissions does not count toward it. Last evaluated 2022-06-23.

Conditions:
Charcot-Marie-Tooth disease type 2. Also called: Charcot-Marie-Tooth type 2. Identifiers: Orphanet 64746, MedGen C0270914, MONDO:0018993.
Distal spinal muscular atrophy. Also called: Distal hereditary motor neuronopathy; Distal hereditary motor neuropathy. Identifiers: Orphanet 53739, MedGen C0393541, MONDO:0018894.

Allele frequency attached by ClinVar (database versions not stated): gnomAD exomes below 0.00001.

Submissions (2):

Labcorp Genetics (formerly Invitae), Labcorp
Classification: Uncertain significance for Charcot-Marie-Tooth disease type 2. Last evaluated: 2022-06-23. Review status: criteria provided, single submitter. Criteria: Invitae Variant Classification Sherloc (09022015). Collection method: clinical testing. Allele origin: germline.
Comment: In summary, the available evidence is currently insufficient to determine the role of this variant in disease. Therefore, it has been classified as a Variant of Uncertain Significance. Algorithms developed to predict the effect of missense changes on protein structure and function are either unavailable or do not agree on the potential impact of this missense change (SIFT: "Deleterious"; PolyPhen-2: "Benign"; Align-GVGD: "Class C0"). ClinVar contains an entry for this variant (Variation ID: 694888). This variant has not been reported in the literature in individuals affected with AARS-related conditions. This variant is not present in population databases (gnomAD no frequency). This sequence change replaces aspartic acid, which is acidic and polar, with glycine, which is neutral and non-polar, at codon 163 of the AARS protein (p.Asp163Gly).

Genesis Genome Database
Classification: Uncertain significance for Distal spinal muscular atrophy. Last evaluated: 2019-08-14. Review status: no assertion criteria provided. Collection method: research. Allele origin: germline. Affected: yes. Not counted in ClinVar's aggregate classification.